The following is an entry in ClinVar:

ClinVar aggregate classification (germline): Uncertain significance (1 of 4 stars; one submission).

Conditions:
Hereditary cancer-predisposing syndrome. Also called: Neoplastic Syndromes, Hereditary; Tumor predisposition; Hereditary neoplastic syndrome; Hereditary Cancer Syndrome. Identifiers: Orphanet 140162, MedGen C0027672, MeSH D009386, MONDO:0015356.

Submission:

Ambry Genetics
Classification: Uncertain significance for Hereditary cancer-predisposing syndrome. Last evaluated: 2026-07-07. Review status: criteria provided, single submitter. Criteria: Ambry Variant Classification Scheme 2023. Collection method: clinical testing. Allele origin: germline.
Comment: The p.P37T variant (also known as c.109C>A), located in coding exon 2 of the SDHB gene, results from a C to A substitution at nucleotide position 109. The proline at codon 37 is replaced by threonine, an amino acid with highly similar properties. This amino acid position is conserved. In addition, this alteration is predicted to be deleterious by in silico analysis. Based on the available evidence, the clinical significance of this variant remains unclear.

NM_003000.3(SDHB):c.109C>A (p.Pro37Thr)

Gene: SDHB (succinate dehydrogenase complex iron sulfur subunit B; minus strand). Cytogenetic location: 1p36.13.
Variant type: single nucleotide variant.
Coding change: c.109C>A on transcript NM_003000.3 (MANE Select); coding-DNA position 109, C replaced by A.
Protein change: p.Pro37Thr; replaces proline 37 with threonine.
Molecular consequence: missense variant.
Genome position (GRCh38, 1-based): chr1:17,044,852, G>T on the plus strand (C>A on the coding strand, the complement: SDHB is on the minus strand). VCF-style: chr1-17044852-G-T. GRCh37 (hg19) VCF-style: chr1-17371347-G-T.
Other names: c.109C>A, p.Pro37Thr (NM_001407361.1); short protein forms P37T.
Identifiers: ClinVar variation 5029277 (VCV005029277.1).